The following is an entry in ClinVar:

ClinVar aggregate classification (germline): Conflicting classifications of pathogenicity. Review status: criteria provided, conflicting classifications (1 of 4 stars). 8 submissions from 8 submitters: Uncertain significance (1); Benign (1); Likely benign (4). 2 of the submissions do not count toward it. Last evaluated 2026-07-01.

Conditions:
FASTKD2-related disorder. Also called: FASTKD2-related condition.
Mitochondrial complex IV deficiency, nuclear type 1 (MC4DN1). Also called: Mitochondrial complex IV deficiency; COX DEFICIENCY; Complex 4 mitochondrial respiratory chain deficiency; Deficiency of mitochondrial respiratory chain complex4; Complex IV deficiency. Identifiers: MedGen C5435656, MONDO:0700250, OMIM 220110. Disease mechanism: loss of function.

Allele frequency attached by ClinVar (database versions not stated): 1000 Genomes Project 30x 0.00265; 1000 Genomes Project 0.00280; TOPMed 0.00447; gnomAD 0.00456 and 0.00476; ESP Exome Variant Server 0.00577.
gnomAD v4.1: 11,121 of 1,614,110 alleles (0.69%); highest among the groups gnomAD compares: Non-Finnish European, 0.88%; 44 homozygotes.

Submissions (8):

CeGaT Center for Human Genetics Tuebingen
Classification: Likely benign. Last evaluated: 2026-07-01. Review status: criteria provided, single submitter. Criteria: CeGaT Center For Human Genetics Tuebingen Variant Classification Criteria Version 2. Collection method: clinical testing. Allele origin: germline. Affected: yes. Observed: 33 variant alleles.
Comment: FASTKD2: BP4, BS2

Labcorp Genetics (formerly Invitae), Labcorp
Classification: Likely benign. Last evaluated: 2026-01-19. Review status: criteria provided, single submitter. Criteria: Invitae Variant Classification Sherloc (09022015). Collection method: clinical testing. Allele origin: germline.

Illumina Laboratory Services, Illumina
Classification: Uncertain significance for Mitochondrial complex IV deficiency, nuclear type 1. Last evaluated: 2018-01-13. Review status: criteria provided, single submitter. Criteria: ICSL Variant Classification Criteria 13 December 2019. Collection method: clinical testing. Allele origin: germline.

Center for Pediatric Genomic Medicine, Children's Mercy Hospital and Clinics
Classification: Likely benign. Last evaluated: 2016-10-25. Review status: criteria provided, single submitter. Criteria: ACMG Guidelines, 2015. Collection method: clinical testing. Allele origin: germline.
ClinVar note: Converted during submission from Likely Benign to Likely benign.

Eurofins Ntd Llc (ga)
Classification: Likely benign. Last evaluated: 2016-02-24. Review status: criteria provided, single submitter. Criteria: EGL Classification Definitions 2015. Collection method: clinical testing. Allele origin: germline. Observed: 1 variant allele, 1 heterozygote.

GeneDx
Classification: Benign. Last evaluated: 2014-06-06. Review status: criteria provided, single submitter. Criteria: GeneDx Variant Classification (06012015). Collection method: clinical testing. Allele origin: germline. Affected: yes.
Comment: This variant is considered likely benign or benign based on one or more of the following criteria: it is a conservative change, it occurs at a poorly conserved position in the protein, it is predicted to be benign by multiple in silico algorithms, and/or has population frequency not consistent with disease.

PreventionGenetics, part of Exact Sciences
Classification: Benign for FASTKD2-related condition. Last evaluated: 2020-05-22. Review status: no assertion criteria provided. Collection method: clinical testing. Allele origin: germline. Not counted in ClinVar's aggregate classification.
Comment: This variant is classified as benign based on ACMG/AMP sequence variant interpretation guidelines (Richards et al. 2015 PMID: 25741868, with internal and published modifications).

Mayo Clinic Laboratories, Mayo Clinic
Classification: Likely benign. Last evaluated: 2017-11-01. Review status: no assertion criteria provided. Collection method: clinical testing. Allele origin: unknown. Not counted in ClinVar's aggregate classification.

NM_001136193.2(FASTKD2):c.29G>C (p.Ser10Thr)

Gene: FASTKD2 (FASTK mitochondrial RNA regulator 2; plus strand). Cytogenetic location: 2q33.3.
Variant type: single nucleotide variant.
Coding change: c.29G>C on transcript NM_001136193.2 (MANE Select); coding-DNA position 29, G replaced by C.
Protein change: p.Ser10Thr; replaces serine 10 with threonine.
Molecular consequence: missense variant.
Genome position (GRCh38, 1-based): chr2:206,766,722, G>C. VCF-style: chr2-206766722-G-C. GRCh37 (hg19) VCF-style: chr2-207631446-G-C.
Other names: p.S10T:AGT>ACT; c.29G>C, p.Ser10Thr (NM_001136194.2, NM_014929.4); short protein forms S10T.
Identifiers: ClinVar variation 137293 (VCV000137293.63), dbSNP rs147727753, ClinGen allele CA290847.